The following is an entry in ClinVar:

ClinVar aggregate classification (germline): Uncertain significance (1 of 4 stars; one submission).

Conditions:
Brown-Vialetto-van Laere syndrome 1. Also called: BULBAR PALSY, PROGRESSIVE, WITH SENSORINEURAL DEAFNESS; PONTOBULBAR PALSY WITH DEAFNESS; BROWN-VIALETTO-VAN LAERE SYNDROME 1, MILD. Identifiers: Orphanet 572550, Orphanet 97229, MedGen C0796274, MONDO:0024537, OMIM 211530.

Submission:

Labcorp Genetics (formerly Invitae), Labcorp
Classification: Uncertain significance for Brown-Vialetto-van Laere syndrome 1. Last evaluated: 2022-03-05. Review status: criteria provided, single submitter. Criteria: Invitae Variant Classification Sherloc (09022015). Collection method: clinical testing. Allele origin: germline.
Comment: In summary, the available evidence is currently insufficient to determine the role of this variant in disease. Therefore, it has been classified as a Variant of Uncertain Significance. Algorithms developed to predict the effect of missense changes on protein structure and function are either unavailable or do not agree on the potential impact of this missense change (SIFT: "Deleterious"; PolyPhen-2: "Probably Damaging"; Align-GVGD: "Class C15"). This variant has not been reported in the literature in individuals affected with SLC52A3-related conditions. This variant is not present in population databases (gnomAD no frequency). This sequence change replaces proline, which is neutral and non-polar, with arginine, which is basic and polar, at codon 66 of the SLC52A3 protein (p.Pro66Arg).

NM_033409.4(SLC52A3):c.197C>G (p.Pro66Arg)

Gene: SLC52A3 (solute carrier family 52 member 3; minus strand). Cytogenetic location: 20p13.
Variant type: single nucleotide variant.
Coding change: c.197C>G on transcript NM_033409.4 (MANE Select); coding-DNA position 197, C replaced by G.
Protein change: p.Pro66Arg; replaces proline 66 with arginine.
Molecular consequence: missense variant.
Genome position (GRCh38, 1-based): chr20:765,578, G>C on the plus strand (C>G on the coding strand, the complement: SLC52A3 is on the minus strand). VCF-style: chr20-765578-G-C. GRCh37 (hg19) VCF-style: chr20-746222-G-C.
Other names: c.197C>G, p.Pro66Arg (NM_001370085.1, NM_001370086.1); short protein forms P66R.
Identifiers: ClinVar variation 1919683 (VCV001919683.5), dbSNP rs2514852771, ClinGen allele CA407964345.